The following is an entry in ClinVar:

NM_004994.3(MMP9):c.935G>A (p.Arg312His)

Gene: MMP9 (matrix metallopeptidase 9; plus strand). Cytogenetic location: 20q13.12.
Variant type: single nucleotide variant.
Coding change: c.935G>A on transcript NM_004994.3 (MANE Select); coding-DNA position 935, G replaced by A.
Protein change: p.Arg312His; replaces arginine 312 with histidine.
Molecular consequence: missense variant.
Genome position (GRCh38, 1-based): chr20:46,011,685, G>A. VCF-style: chr20-46011685-G-A. GRCh37 (hg19) VCF-style: chr20-44640324-G-A.
Other names: short protein forms R312H.
Identifiers: ClinVar variation 4705876 (VCV004705876.1).
Genomic context (GRCh38, chr20:46,011,685, plus strand): 5'-TCATCTTCCAAGGCCAATCCTACTCCGCCTGCACCACGGACGGTCGCTCCGACGGCTACC[G>A]CTGGTGCGCCACCACCGCCAACTACGACCGGGACAAGCTCTTCGGCTTCTGCCCGACCCG-3'
Protein context (NP_004985.2, residues 302-322): CTTDGRSDGY[Arg312His]WCATTANYDR

ClinVar aggregate classification (germline): Uncertain significance (1 of 4 stars; one submission).

gnomAD v4.1: 2 of 1,613,778 alleles (0.00012%); highest among the groups gnomAD compares: South Asian, 0.0011%; no homozygotes.

Submission:

Labcorp Genetics (formerly Invitae), Labcorp
Classification: Uncertain significance. Last evaluated: 2025-06-08. Review status: criteria provided, single submitter. Criteria: Invitae Variant Classification Sherloc (09022015). Collection method: clinical testing. Allele origin: germline.
Comment: This sequence change replaces arginine, which is basic and polar, with histidine, which is basic and polar, at codon 312 of the MMP9 protein (p.Arg312His). This variant is not present in population databases (gnomAD no frequency). This variant has not been reported in the literature in individuals affected with MMP9-related conditions. Invitae Evidence Modeling of protein sequence and biophysical properties (such as structural, functional, and spatial information, amino acid conservation, physicochemical variation, residue mobility, and thermodynamic stability) has been performed for this missense variant. However, the output from this modeling did not meet the statistical confidence thresholds required to predict the impact of this variant on MMP9 protein function. In summary, the available evidence is currently insufficient to determine the role of this variant in disease. Therefore, it has been classified as a Variant of Uncertain Significance.